The following is an entry in ClinVar:

NM_178565.5(RSPO2):c.260C>T (p.Ala87Val)

Gene: RSPO2 (R-spondin 2; minus strand). Cytogenetic location: 8q23.1.
Variant type: single nucleotide variant.
Coding change: c.260C>T on transcript NM_178565.5 (MANE Select); coding-DNA position 260, C replaced by T.
Protein change: p.Ala87Val; replaces alanine 87 with valine.
Molecular consequence: missense variant. On other transcripts: intron variant (1).
Genome position (GRCh38, 1-based): chr8:107,989,079, G>A on the plus strand (C>T on the coding strand, the complement: RSPO2 is on the minus strand). VCF-style: chr8-107989079-G-A. GRCh37 (hg19) VCF-style: chr8-109001307-G-A.
Other names: c.59C>T, p.Ala20Val (NM_001317942.2); c.95-28262C>T (NM_001282863.2); short protein forms A20V, A87V.
Identifiers: ClinVar variation 1491916 (VCV001491916.4), dbSNP rs2130524828, ClinGen allele CA372036084.

ClinVar aggregate classification (germline): Uncertain significance (1 of 4 stars; one submission).

Allele frequency attached by ClinVar (database versions not stated): gnomAD exomes below 0.00001.
gnomAD v4.1: 3 of 1,607,698 alleles (0.00019%); highest among the groups gnomAD compares: East Asian, 0.0022%; no homozygotes.

Submission:

Labcorp Genetics (formerly Invitae), Labcorp
Classification: Uncertain significance. Last evaluated: 2022-09-01. Review status: criteria provided, single submitter. Criteria: Invitae Variant Classification Sherloc (09022015). Collection method: clinical testing. Allele origin: germline.
Comment: In summary, the available evidence is currently insufficient to determine the role of this variant in disease. Therefore, it has been classified as a Variant of Uncertain Significance. Algorithms developed to predict the effect of missense changes on protein structure and function (SIFT, PolyPhen-2, Align-GVGD) all suggest that this variant is likely to be tolerated. ClinVar contains an entry for this variant (Variation ID: 1491916). This variant has not been reported in the literature in individuals affected with RSPO2-related conditions. This variant is not present in population databases (gnomAD no frequency). This sequence change replaces alanine, which is neutral and non-polar, with valine, which is neutral and non-polar, at codon 87 of the RSPO2 protein (p.Ala87Val).